The following is an entry in ClinVar:

ClinVar aggregate classification (germline): Uncertain significance (1 of 4 stars; one submission).

Submission:

Ambry Genetics
Classification: Uncertain significance. Last evaluated: 2023-05-15. Review status: criteria provided, single submitter. Criteria: Ambry Variant Classification Scheme 2023. Collection method: clinical testing. Allele origin: germline.
Comment: The p.P1768R variant (also known as c.5303C>G), located in coding exon 16 of the POLQ gene, results from a C to G substitution at nucleotide position 5303. The proline at codon 1768 is replaced by arginine, an amino acid with dissimilar properties. This amino acid position is conserved. In addition, this alteration is predicted to be tolerated by in silico analysis. Since supporting evidence is limited at this time, the clinical significance of this alteration remains unclear.

NM_199420.4(POLQ):c.5303C>G (p.Pro1768Arg)

Gene: POLQ (DNA polymerase theta; minus strand). Cytogenetic location: 3q13.33.
Variant type: single nucleotide variant.
Coding change: c.5303C>G on transcript NM_199420.4 (MANE Select); coding-DNA position 5303, C replaced by G.
Protein change: p.Pro1768Arg; replaces proline 1768 with arginine.
Molecular consequence: missense variant.
Genome position (GRCh38, 1-based): chr3:121,487,628, G>C on the plus strand (C>G on the coding strand, the complement: POLQ is on the minus strand). VCF-style: chr3-121487628-G-C. GRCh37 (hg19) VCF-style: chr3-121206475-G-C.
Other names: short protein forms P1768R.
Identifiers: ClinVar variation 2561758 (VCV002561758.2), dbSNP rs2546784872, ClinGen allele CA354090620.